The following is an entry in ClinVar:

NM_004006.3(DMD):c.2428A>C (p.Ser810Arg)

Gene: DMD (dystrophin; minus strand). Cytogenetic location: Xp21.1.
Variant type: single nucleotide variant.
Coding change: c.2428A>C on transcript NM_004006.3 (MANE Select); coding-DNA position 2428, A replaced by C.
Protein change: p.Ser810Arg; replaces serine 810 with arginine.
Molecular consequence: missense variant.
Genome position (GRCh38, 1-based): chrX:32,491,471, T>G on the plus strand (A>C on the coding strand, the complement: DMD is on the minus strand). VCF-style: chrX-32491471-T-G. GRCh37 (hg19) VCF-style: chrX-32509588-T-G.
Other names: c.2404A>C, p.Ser802Arg (NM_000109.4); c.2416A>C, p.Ser806Arg (NM_004009.3); c.2059A>C, p.Ser687Arg (NM_004010.3); short protein forms S802R, S806R, S810R, S687R.
Identifiers: ClinVar variation 2198091 (VCV002198091.3), dbSNP rs2042991182, ClinGen allele CA412672816.
Genomic context (GRCh38, chrX:32,491,471, plus strand): 5'-TCTGATACTCCAGCCAGTTAAGTCTCTCACTTAGCAACTGGCAGAATTCGATCCACCGGC[T>G]GTTCAGTTGTTCTGAGGCTTGTTTGATGCTATCTGCATTAACACCCTCTAGAAAGAAAAA-3'
Protein context (NP_003997.2, residues 800-820): SIKQASEQLN[Ser810Arg]RWIEFCQLLS

ClinVar aggregate classification (germline): Uncertain significance (1 of 4 stars; one submission).

Conditions:
Duchenne muscular dystrophy (DMD). Also called: MUSCULAR DYSTROPHY, PSEUDOHYPERTROPHIC PROGRESSIVE, DUCHENNE TYPE; Duchenne Muscular Dystrophy (DMD). Identifiers: Orphanet 98896, MedGen C0013264, MONDO:0010679, OMIM 310200.

Allele frequency attached by ClinVar (database versions not stated): gnomAD 0.00001.
gnomAD v4.1: 6 of 1,209,280 alleles (0.0005%); highest among the groups gnomAD compares: Admixed American, 0.0022%; no homozygotes.

Submission:

Labcorp Genetics (formerly Invitae), Labcorp
Classification: Uncertain significance for Duchenne muscular dystrophy. Last evaluated: 2024-10-28. Review status: criteria provided, single submitter. Criteria: Invitae Variant Classification Sherloc (09022015). Collection method: clinical testing. Allele origin: germline.
Comment: This sequence change replaces serine, which is neutral and polar, with arginine, which is basic and polar, at codon 810 of the DMD protein (p.Ser810Arg). This variant is not present in population databases (gnomAD no frequency). This variant has not been reported in the literature in individuals affected with DMD-related conditions. ClinVar contains an entry for this variant (Variation ID: 2198091). Invitae Evidence Modeling of protein sequence and biophysical properties (such as structural, functional, and spatial information, amino acid conservation, physicochemical variation, residue mobility, and thermodynamic stability) indicates that this missense variant is not expected to disrupt DMD protein function with a negative predictive value of 95%. In summary, the available evidence is currently insufficient to determine the role of this variant in disease. Therefore, it has been classified as a Variant of Uncertain Significance.